The following is an entry in ClinVar:

NM_000890.5(KCNJ5):c.86C>A (p.Ala29Asp)

Gene: KCNJ5 (potassium inwardly rectifying channel subfamily J member 5; plus strand). Cytogenetic location: 11q24.3.
Variant type: single nucleotide variant.
Coding change: c.86C>A on transcript NM_000890.5 (MANE Select); coding-DNA position 86, C replaced by A.
Protein change: p.Ala29Asp; replaces alanine 29 with aspartic acid.
Molecular consequence: missense variant.
Genome position (GRCh38, 1-based): chr11:128,911,359, C>A. VCF-style: chr11-128911359-C-A. GRCh37 (hg19) VCF-style: chr11-128781254-C-A.
Other names: c.86C>A (LRG_333t1); c.86C>A, p.Ala29Asp (NM_001354169.2); short protein forms A29D.
Identifiers: ClinVar variation 216485 (VCV000216485.7), dbSNP rs863224689, ClinGen allele CA338459.

ClinVar aggregate classification (germline): Uncertain significance (1 of 4 stars; one submission).

Conditions:
Long QT syndrome (LQTS). Identifiers: MedGen C0023976, MeSH D008133, MONDO:0002442. Disease mechanism: loss of function. Inheritance: Various modes of inheritance.

Allele frequency attached by ClinVar (database versions not stated): gnomAD exomes below 0.00001 and 0.00001.
gnomAD v4.1: 11 of 1,614,196 alleles (0.00068%); highest among the groups gnomAD compares: African/African-American, 0.0013%; no homozygotes.

Submission:

Labcorp Genetics (formerly Invitae), Labcorp
Classification: Uncertain significance for Long QT syndrome. Last evaluated: 2024-11-19. Review status: criteria provided, single submitter. Criteria: Invitae Variant Classification Sherloc (09022015). Collection method: clinical testing. Allele origin: germline.
Comment: This sequence change replaces alanine, which is neutral and non-polar, with aspartic acid, which is acidic and polar, at codon 29 of the KCNJ5 protein (p.Ala29Asp). This variant is present in population databases (no rsID available, gnomAD 0.0009%). This variant has not been reported in the literature in individuals affected with KCNJ5-related conditions. ClinVar contains an entry for this variant (Variation ID: 216485). Invitae Evidence Modeling of protein sequence and biophysical properties (such as structural, functional, and spatial information, amino acid conservation, physicochemical variation, residue mobility, and thermodynamic stability) indicates that this missense variant is not expected to disrupt KCNJ5 protein function with a negative predictive value of 95%. In summary, the available evidence is currently insufficient to determine the role of this variant in disease. Therefore, it has been classified as a Variant of Uncertain Significance.